The following is an entry in ClinVar:

ClinVar aggregate classification (germline): Conflicting classifications of pathogenicity. Review status: criteria provided, conflicting classifications (1 of 4 stars). 6 submissions from 6 submitters: Uncertain significance (2); Benign (1); Likely benign (2). 1 of the submissions does not count toward it. Last evaluated 2026-01-28.

Conditions:
TYR-related disorder. Also called: TYR-related condition.
Oculocutaneous albinism. Identifiers: Orphanet 55, MedGen C0078918, MONDO:0018910.
Oculocutaneous albinism type 1A (OCA1A). Also called: Albinism, oculocutaneous, type IA. Identifiers: Orphanet 352731, Orphanet 79431, MedGen C4551504, MONDO:0008745, OMIM 203100. Disease mechanism: loss of function.

Allele frequency attached by ClinVar (database versions not stated): TOPMed 0.00048; gnomAD 0.00049 and 0.00051; ESP Exome Variant Server 0.00054; ExAC 0.00067; gnomAD exomes 0.00088.
gnomAD v4.1: 824 of 1,614,108 alleles (0.051%); highest among the groups gnomAD compares: Middle Eastern, 0.017%; 6 homozygotes.

Submissions (6):

Labcorp Genetics (formerly Invitae), Labcorp
Classification: Benign. Last evaluated: 2026-01-28. Review status: criteria provided, single submitter. Criteria: Invitae Variant Classification Sherloc (09022015). Collection method: clinical testing. Allele origin: germline.

Blueprint Genetics
Classification: Likely benign. Last evaluated: 2024-11-25. Review status: criteria provided, single submitter. Criteria: ACMG Guidelines, 2015. Collection method: clinical testing. Allele origin: germline.

Genome-Nilou Lab
Classification: Likely benign for Oculocutaneous albinism type 1A. Last evaluated: 2021-07-22. Review status: criteria provided, single submitter. Criteria: ACMG Guidelines, 2015. Collection method: clinical testing. Allele origin: germline. Affected: no.

Illumina Laboratory Services, Illumina
Classification: Uncertain significance for Oculocutaneous albinism. Last evaluated: 2017-04-27. Review status: criteria provided, single submitter. Criteria: ICSL Variant Classification Criteria 13 December 2019. Collection method: clinical testing. Allele origin: germline.
Comment: This variant was observed as part of a predisposition screen in an ostensibly healthy population. A literature search was performed for the gene, cDNA change, and amino acid change (where applicable). Publications were found based on this search. However, the evidence from the literature, in combination with allele frequency data from public databases where available, was not sufficient to rule this variant in or out of causing disease. Therefore, this variant is classified as a variant of unknown significance.

Eurofins Ntd Llc (ga)
Classification: Uncertain significance. Last evaluated: 2016-05-19. Review status: criteria provided, single submitter. Criteria: EGL Classification Definitions 2015. Collection method: clinical testing. Allele origin: germline. Observed: 2 variant alleles, 2 heterozygotes.

PreventionGenetics, part of Exact Sciences
Classification: Benign for TYR-related condition. Last evaluated: 2019-11-08. Review status: no assertion criteria provided. Collection method: clinical testing. Allele origin: germline. Not counted in ClinVar's aggregate classification.
Comment: This variant is classified as benign based on ACMG/AMP sequence variant interpretation guidelines (Richards et al. 2015 PMID: 25741868, with internal and published modifications).

Literature cited by the submitters: PubMed 21906913 (cited by Illumina Laboratory Services, Illumina).

NM_000372.5(TYR):c.504C>T (p.Asn168=)

Gene: TYR (tyrosinase; plus strand). Cytogenetic location: 11q14.3.
Variant type: single nucleotide variant.
Coding change: c.504C>T on transcript NM_000372.5 (MANE Select); coding-DNA position 504, C replaced by T.
Protein change: p.Asn168=; no amino-acid change (asparagine 168 retained).
Molecular consequence: synonymous variant.
Genome position (GRCh38, 1-based): chr11:89,178,457, C>T. VCF-style: chr11-89178457-C-T. GRCh37 (hg19) VCF-style: chr11-88911625-C-T.
Identifiers: ClinVar variation 288251 (VCV000288251.23), dbSNP rs148813091, ClinGen allele CA6221124.